The following is an entry in ClinVar:

ClinVar aggregate classification (germline): Uncertain significance. Review status: criteria provided, multiple submitters, no conflicts (2 of 4 stars). 3 submissions from 3 submitters: Uncertain significance (3). Last evaluated 2026-02-24.

Conditions:
Inborn genetic diseases. Identifiers: MedGen C0950123, MeSH D030342.
MYO5B-related disorder. Also called: MYO5B-related condition.

Allele frequency attached by ClinVar (database versions not stated): TOPMed 0.00003; ExAC 0.00004; gnomAD exomes 0.00004 and 0.00005; ESP Exome Variant Server 0.00008.
gnomAD v4.1: 74 of 1,613,736 alleles (0.0046%); highest among the groups gnomAD compares: South Asian, 0.0077%; no homozygotes.

Submissions (3):

PreventionGenetics, part of Exact Sciences
Classification: Uncertain significance for MYO5B-related condition. Last evaluated: 2026-02-24. Review status: criteria provided, single submitter. Criteria: ACMG Guidelines, 2015. Collection method: clinical testing. Allele origin: germline.
Comment: The MYO5B c.2410C>T variant is predicted to result in the amino acid substitution p.Arg804Cys. To our knowledge, this variant has not been reported in the literature. This variant is reported in 0.0098% of alleles in individuals of South Asian descent in gnomAD. At this time, the clinical significance of this variant is uncertain due to the absence of conclusive functional and genetic evidence.

Ambry Genetics
Classification: Uncertain significance for Inborn genetic diseases. Last evaluated: 2025-06-09. Review status: criteria provided, single submitter. Criteria: Ambry Variant Classification Scheme 2023. Collection method: clinical testing. Allele origin: germline.

Labcorp Genetics (formerly Invitae), Labcorp
Classification: Uncertain significance. Last evaluated: 2022-10-25. Review status: criteria provided, single submitter. Criteria: Invitae Variant Classification Sherloc (09022015). Collection method: clinical testing. Allele origin: germline.
Comment: This sequence change replaces arginine, which is basic and polar, with cysteine, which is neutral and slightly polar, at codon 804 of the MYO5B protein (p.Arg804Cys). This variant is present in population databases (rs377458597, gnomAD 0.01%). This variant has not been reported in the literature in individuals affected with MYO5B-related conditions. ClinVar contains an entry for this variant (Variation ID: 1037809). Advanced modeling of protein sequence and biophysical properties (such as structural, functional, and spatial information, amino acid conservation, physicochemical variation, residue mobility, and thermodynamic stability) has been performed at Invitae for this missense variant, however the output from this modeling did not meet the statistical confidence thresholds required to predict the impact of this variant on MYO5B protein function. In summary, the available evidence is currently insufficient to determine the role of this variant in disease. Therefore, it has been classified as a Variant of Uncertain Significance.

NM_001080467.3(MYO5B):c.2410C>T (p.Arg804Cys)

Gene: MYO5B (myosin VB; minus strand). Cytogenetic location: 18q21.1.
Variant type: single nucleotide variant.
Coding change: c.2410C>T on transcript NM_001080467.3 (MANE Select); coding-DNA position 2410, C replaced by T.
Protein change: p.Arg804Cys; replaces arginine 804 with cysteine.
Molecular consequence: missense variant.
Genome position (GRCh38, 1-based): chr18:49,906,423, G>A on the plus strand (C>T on the coding strand, the complement: MYO5B is on the minus strand). VCF-style: chr18-49906423-G-A. GRCh37 (hg19) VCF-style: chr18-47432793-G-A.
Other names: c.2410C>T (NM_001080467.2); short protein forms R804C.
Identifiers: ClinVar variation 1037809 (VCV001037809.7), dbSNP rs377458597, ClinGen allele CA8961107.